The following is an entry in ClinVar:

NM_001035.3(RYR2):c.11836G>C (p.Gly3946Arg)

Gene: RYR2 (ryanodine receptor 2; plus strand). Cytogenetic location: 1q43.
Variant type: single nucleotide variant.
Coding change: c.11836G>C on transcript NM_001035.3 (MANE Select); coding-DNA position 11836, G replaced by C.
Protein change: p.Gly3946Arg; replaces glycine 3946 with arginine.
Molecular consequence: missense variant.
Genome position (GRCh38, 1-based): chr1:237,778,726, G>C. VCF-style: chr1-237778726-G-C. GRCh37 (hg19) VCF-style: chr1-237942026-G-C.
Other names: short protein forms G3946R.
Identifiers: ClinVar variation 1067525 (VCV001067525.12), dbSNP rs794728777, ClinGen allele CA345409319.

ClinVar aggregate classification (germline): Conflicting classifications of pathogenicity. Review status: criteria provided, conflicting classifications (1 of 4 stars). 2 submissions from 2 submitters: Likely pathogenic (1); Uncertain significance (1). Last evaluated 2021-08-26.

Conditions:
Catecholaminergic polymorphic ventricular tachycardia 1. Also called: VENTRICULAR TACHYCARDIA, STRESS-INDUCED POLYMORPHIC 1; VENTRICULAR TACHYCARDIA, CATECHOLAMINERGIC POLYMORPHIC, 1, WITH OR WITHOUT ATRIAL DYSFUNCTION AND/OR DILATED CARDIOMYOPATHY; RYR2-Related Catecholaminergic Polymorphic Ventricular Tachycardia. Identifiers: Orphanet 3286, MedGen C1631597, MONDO:0011484, OMIM 604772.

Submissions (2):

Labcorp Genetics (formerly Invitae), Labcorp
Classification: Likely pathogenic for Catecholaminergic polymorphic ventricular tachycardia 1. Last evaluated: 2021-08-26. Review status: criteria provided, single submitter. Criteria: Invitae Variant Classification Sherloc (09022015). Collection method: clinical testing. Allele origin: germline.
Comment: This variant disrupts the p.Gly3946 amino acid residue in RYR2. Other variant(s) that disrupt this residue have been determined to be pathogenic (PMID: 12093772, 21616285, 23595086, 26114861, 19398665, Invitae). This suggests that this residue is clinically significant, and that variants that disrupt this residue are likely to be disease-causing. Advanced modeling of protein sequence and biophysical properties (such as structural, functional, and spatial information, amino acid conservation, physicochemical variation, residue mobility, and thermodynamic stability) performed at Invitae indicates that this missense variant is expected to disrupt RYR2 protein function. This variant has not been reported in the literature in individuals with RYR2-related conditions. This variant is not present in population databases (ExAC no frequency). This sequence change replaces glycine with arginine at codon 3946 of the RYR2 protein (p.Gly3946Arg). The glycine residue is highly conserved and there is a moderate physicochemical difference between glycine and arginine. In summary, the currently available evidence indicates that the variant is pathogenic, but additional data are needed to prove that conclusively. Therefore, this variant has been classified as Likely Pathogenic.

GeneDx
Classification: Uncertain significance. Last evaluated: 2021-04-01. Review status: criteria provided, single submitter. Criteria: GeneDx Variant Classification Process June 2021. Collection method: clinical testing. Allele origin: germline. Affected: yes.
Comment: Has not been previously published as pathogenic or benign to our knowledge; Not observed in large population cohorts (Lek et al., 2016); In silico analysis supports that this missense variant has a deleterious effect on protein structure/function; Located in one of the three hot-spot regions of the RYR2 gene, where the majority of pathogenic missense variants occur (Medeiros-Domingo et al., 2009); This variant is associated with the following publications: (PMID: 12093772)

Literature cited by the submitters: PubMed 12093772 (cited by Labcorp Genetics (formerly Invitae), Labcorp); PubMed 21616285 (cited by Labcorp Genetics (formerly Invitae), Labcorp); PubMed 23595086 (cited by Labcorp Genetics (formerly Invitae), Labcorp); PubMed 26114861 (cited by Labcorp Genetics (formerly Invitae), Labcorp); PubMed 19398665 (cited by Labcorp Genetics (formerly Invitae), Labcorp).